The following is an entry in ClinVar:

NM_001122764.3(PPOX):c.660G>T (p.Leu220Phe)

Gene: PPOX (protoporphyrinogen oxidase; plus strand). Cytogenetic location: 1q23.3.
Variant type: single nucleotide variant.
Coding change: c.660G>T on transcript NM_001122764.3 (MANE Select); coding-DNA position 660, G replaced by T.
Protein change: p.Leu220Phe; replaces leucine 220 with phenylalanine.
Molecular consequence: missense variant.
Genome position (GRCh38, 1-based): chr1:161,169,036, G>T. VCF-style: chr1-161169036-G-T. GRCh37 (hg19) VCF-style: chr1-161138826-G-T.
Other names: c.660G>T, p.Leu220Phe (NM_000309.5, NM_001365398.1, NM_001365399.1); c.561G>T, p.Leu187Phe (NM_001350128.2); c.252G>T, p.Leu84Phe (NM_001350129.2, NM_001365400.1); c.174G>T, p.Leu58Phe (NM_001350130.2, NM_001350131.2, NM_001365401.1); short protein forms L187F, L220F, L84F, L58F.
Identifiers: ClinVar variation 648970 (VCV000648970.8), dbSNP rs1571367836, ClinGen allele CA343354388.

ClinVar aggregate classification (germline): Uncertain significance (1 of 4 stars; one submission).

gnomAD v4.1: 1 of 1,614,194 alleles (0.000062%); highest among the groups gnomAD compares: Non-Finnish European, 0.000085%; no homozygotes.

Submission:

Labcorp Genetics (formerly Invitae), Labcorp
Classification: Uncertain significance. Last evaluated: 2018-11-25. Review status: criteria provided, single submitter. Criteria: Invitae Variant Classification Sherloc (09022015). Collection method: clinical testing. Allele origin: germline.
Comment: In summary, the available evidence is currently insufficient to determine the role of this variant in disease. Therefore, it has been classified as a Variant of Uncertain Significance. Algorithms developed to predict the effect of missense changes on protein structure and function (SIFT, PolyPhen-2, Align-GVGD) all suggest that this variant is likely to be tolerated, but these predictions have not been confirmed by published functional studies and their clinical significance is uncertain. This variant has not been reported in the literature in individuals with PPOX-related conditions. This variant is not present in population databases (ExAC no frequency). This sequence change replaces leucine with phenylalanine at codon 220 of the PPOX protein (p.Leu220Phe). The leucine residue is weakly conserved and there is a small physicochemical difference between leucine and phenylalanine.